The following is an entry in ClinVar:

NC_000015.9:g.(?_91290613)_(91354646_?)del

Gene: BLM (BLM RecQ like helicase; plus strand). Cytogenetic location: 15q26.1.
Variant type: Deletion.
Identifiers: ClinVar variation 2422257 (VCV002422257.5).

ClinVar aggregate classification (germline): Pathogenic (1 of 4 stars; one submission).

Conditions:
Bloom syndrome (BLM). Also called: Bloom-Torre-Machacek syndrome. Identifiers: Orphanet 125, MedGen C0005859, MONDO:0008876, OMIM 210900.

Submission:

Labcorp Genetics (formerly Invitae), Labcorp
Classification: Pathogenic for Bloom syndrome. Last evaluated: 2022-04-21. Review status: criteria provided, single submitter. Criteria: Invitae Variant Classification Sherloc (09022015). Collection method: clinical testing. Allele origin: germline.
Comment: This variant is a gross deletion of the genomic region encompassing exon(s) 2-21 of the BLM gene, which includes the initiator codon. This deletion extends beyond the assayed region for this gene and therefore may encompass additional genes. It is expected to result in an absent or disrupted protein product. Loss-of-function variants in BLM are known to be pathogenic (PMID: 17407155). This variant has not been reported in the literature in individuals affected with BLM-related conditions. For these reasons, this variant has been classified as Pathogenic.

Literature cited by the submitters: PubMed 17407155.